The following is an entry in ClinVar:

NM_002660.3(PLCG1):c.2705C>T (p.Ala902Val)

Gene: PLCG1 (phospholipase C gamma 1; plus strand). Cytogenetic location: 20q12.
Variant type: single nucleotide variant.
Coding change: c.2705C>T on transcript NM_002660.3 (MANE Select); coding-DNA position 2705, C replaced by T.
Protein change: p.Ala902Val; replaces alanine 902 with valine.
Molecular consequence: missense variant.
Genome position (GRCh38, 1-based): chr20:41,170,166, C>T. VCF-style: chr20-41170166-C-T. GRCh37 (hg19) VCF-style: chr20-39798806-C-T.
Other names: c.2705C>T, p.Ala902Val (NM_182811.2); short protein forms A902V.
Identifiers: ClinVar variation 4982477 (VCV004982477.1).

ClinVar aggregate classification (germline): Likely benign (1 of 4 stars; one submission).

Conditions:
PLCG1-related disorder. Also called: PLCG1-related condition.

Submission:

PreventionGenetics, part of Exact Sciences
Classification: Likely benign for PLCG1-related condition. Last evaluated: 2025-04-01. Review status: criteria provided, single submitter. Criteria: ACMG Guidelines, 2015. Collection method: clinical testing. Allele origin: germline.
Comment: This variant is classified as likely benign based on ACMG/AMP sequence variant interpretation guidelines (Richards et al. 2015 PMID: 25741868, with internal and published modifications).